The following is an entry in ClinVar:

ClinVar aggregate classification (germline): Uncertain significance. Review status: criteria provided, multiple submitters, no conflicts (2 of 4 stars). 2 submissions from 2 submitters: Uncertain significance (2). Last evaluated 2023-08-13.

Conditions:
TBX1-related disorder. Also called: TBX1-Related Disorders; TBX1-related condition.
DiGeorge syndrome. Also called: THIRD AND FOURTH PHARYNGEAL POUCH SYNDROME; Catch22. Identifiers: Orphanet 567, MedGen C0012236, MONDO:0008564, OMIM 188400.

gnomAD v4.1: 1 of 1,613,806 alleles (0.000062%); highest among the groups gnomAD compares: Non-Finnish European, 0.000085%; no homozygotes.

Submissions (2):

PreventionGenetics, part of Exact Sciences
Classification: Uncertain significance for TBX1-related condition. Last evaluated: 2023-08-13. Review status: criteria provided, single submitter. Criteria: ACMG Guidelines, 2015. Collection method: clinical testing. Allele origin: germline.
Comment: The TBX1 c.411-5C>A variant is predicted to interfere with splicing. To our knowledge, this variant has not been reported in the literature or in a large population database, indicating this variant is rare. At this time, the clinical significance of this variant is uncertain due to the absence of conclusive functional and genetic evidence.

Labcorp Genetics (formerly Invitae), Labcorp
Classification: Uncertain significance for DiGeorge syndrome. Last evaluated: 2023-02-14. Review status: criteria provided, single submitter. Criteria: Invitae Variant Classification Sherloc (09022015). Collection method: clinical testing. Allele origin: germline.
Comment: In summary, the available evidence is currently insufficient to determine the role of this variant in disease. Therefore, it has been classified as a Variant of Uncertain Significance. Algorithms developed to predict the effect of sequence changes on RNA splicing suggest that this variant may create or strengthen a splice site. ClinVar contains an entry for this variant (Variation ID: 1017185). This variant has not been reported in the literature in individuals affected with TBX1-related conditions. This variant is not present in population databases (gnomAD no frequency). This sequence change falls in intron 3 of the TBX1 gene. It does not directly change the encoded amino acid sequence of the TBX1 protein.

NM_001379200.1(TBX1):c.438-5C>A

Gene: TBX1 (T-box transcription factor 1; plus strand). Cytogenetic location: 22q11.21.
Variant type: single nucleotide variant.
Coding change: c.438-5C>A on transcript NM_001379200.1 (MANE Select); 5 bases into the intron before coding-DNA position 438, C replaced by A.
Molecular consequence: intron variant.
Genome position (GRCh38, 1-based): chr22:19,763,236, C>A. VCF-style: chr22-19763236-C-A. GRCh37 (hg19) VCF-style: chr22-19750759-C-A.
Other names: c.411-5C>A (NM_005992.1, NM_080646.2, NM_080647.1).
Identifiers: ClinVar variation 1017185 (VCV001017185.9), dbSNP rs972035685, ClinGen allele CA2396030558.